The following is an entry in ClinVar:

NM_012144.4(DNAI1):c.645_647delinsCCT (p.Pro216Leu)

Gene: DNAI1 (dynein axonemal intermediate chain 1; plus strand). Cytogenetic location: 9p13.3.
Variant type: Indel.
Coding change: c.645_647delinsCCT on transcript NM_012144.4 (MANE Select); coding-DNA positions 645 to 647, TCC replaced by CCT.
Protein change: p.Pro216Leu; replaces proline 216 with leucine.
Molecular consequence: missense variant.
Genome position (GRCh38, 1-based): chr9:34,491,518-34,491,520, TCC replaced by CCT. VCF-style: chr9-34491518-TCC-CCT. GRCh37 (hg19) VCF-style: chr9-34491516-TCC-CCT.
Other names: c.657_659delinsCCT, p.Pro220Leu (NM_001281428.2); short protein forms P216L, P220L.
Identifiers: ClinVar variation 228611 (VCV000228611.4), dbSNP rs876657783, ClinGen allele CA10576751.
Genomic context (GRCh38, chr9:34,491,518, plus strand): 5'-GGGCTTTTTGTGGGTCTCCTGTTGTCTTGTTCTTTAGGATCGAGAATGCCAGACGGAGCC[TCC>CCT]TCCCAGGACAAACTTTTCAGCCACAGCCAATCAGGTAAGACCCTGGGCCAGCCTGAAACC-3'
Protein context (NP_036276.1, residues 206-226): VRDRECQTEP[Pro216Leu]PRTNFSATAN

ClinVar aggregate classification (germline): Uncertain significance (1 of 4 stars; one submission).

Submission:

Laboratory for Molecular Medicine, Mass General Brigham Personalized Medicine
Classification: Uncertain significance. Last evaluated: 2015-09-16. Review status: criteria provided, single submitter. Criteria: LMM Criteria. Collection method: clinical testing. Allele origin: germline. Observed: 1 variant allele.
Comment: The p.Pro216Leu variant in DNAI1 has not been previously reported in individuals with pulmonary disease but has been identified in 1/11562 Latino chromosomes by the Exome Aggregation Consortium (ExAC). Comput ational prediction tools and conservation analysis are limited or unavailable fo r this variant. In summary, the clinical significance of the p.Pro216Leu variant is uncertain.